The following is an entry in ClinVar:

NM_001012720.2(RGR):c.650C>G (p.Ala217Gly)

Gene: RGR (retinal G protein coupled receptor; plus strand). Cytogenetic location: 10q23.1.
Variant type: single nucleotide variant.
Coding change: c.650C>G on transcript NM_001012720.2 (MANE Select); coding-DNA position 650, C replaced by G.
Protein change: p.Ala217Gly; replaces alanine 217 with glycine.
Molecular consequence: missense variant. On other transcripts: intron variant (1).
Genome position (GRCh38, 1-based): chr10:84,257,912, C>G. VCF-style: chr10-84257912-C-G. GRCh37 (hg19) VCF-style: chr10-86017668-C-G.
Other names: c.662C>G, p.Ala221Gly (NM_002921.4); c.631-596C>G (NM_001012722.2); c.650C>G (NM_001012720.1); short protein forms A221G, A217G.
Identifiers: ClinVar variation 1378867 (VCV001378867.7), dbSNP rs754724090, ClinGen allele CA210403133.

ClinVar aggregate classification (germline): Uncertain significance. Review status: criteria provided, multiple submitters, no conflicts (2 of 4 stars). 2 submissions from 2 submitters: Uncertain significance (2). Last evaluated 2026-01-27.

Allele frequency attached by ClinVar (database versions not stated): TOPMed below 0.00001.
gnomAD v4.1: 6 of 1,614,126 alleles (0.00037%); highest among the groups gnomAD compares: Non-Finnish European, 0.00042%; no homozygotes.

Submissions (2):

Labcorp Genetics (formerly Invitae), Labcorp
Classification: Uncertain significance. Last evaluated: 2026-01-27. Review status: criteria provided, single submitter. Criteria: Invitae Variant Classification Sherloc (09022015). Collection method: clinical testing. Allele origin: germline.
Comment: This sequence change replaces alanine, which is neutral and non-polar, with glycine, which is neutral and non-polar, at codon 217 of the RGR protein (p.Ala217Gly). This variant is not present in population databases (gnomAD no frequency). This variant has not been reported in the literature in individuals affected with RGR-related conditions. ClinVar contains an entry for this variant (Variation ID: 1378867). An algorithm developed to predict the effect of missense changes on protein structure and function outputs the following: PolyPhen-2: "Not Available". The glycine amino acid residue is found in multiple mammalian species, which suggests that this missense change does not adversely affect protein function. In summary, the available evidence is currently insufficient to determine the role of this variant in disease. Therefore, it has been classified as a Variant of Uncertain Significance.

Ambry Genetics
Classification: Uncertain significance. Last evaluated: 2021-11-22. Review status: criteria provided, single submitter. Criteria: Ambry Variant Classification Scheme 2023. Collection method: clinical testing. Allele origin: germline.